The following is an entry in ClinVar:

ClinVar aggregate classification (germline): Benign. Review status: criteria provided, multiple submitters, no conflicts (2 of 4 stars). 12 submissions from 12 submitters: Benign (8). 4 of the submissions do not count toward it. Last evaluated 2026-02-03.

Conditions:
Epidermolysis bullosa simplex 5B, with muscular dystrophy (EBS5B). Also called: EPIDERMOLYSIS BULLOSA SIMPLEX AND LIMB-GIRDLE MUSCULAR DYSTROPHY; Epidermolysis bullosa simplex with muscular dystrophy. Identifiers: Orphanet 257, MedGen C2931072, MONDO:0009181, OMIM 226670.
Epidermolysis bullosa simplex with nail dystrophy (EBS5D). Identifiers: MedGen C4225309, MONDO:0014661, OMIM 616487.
Autosomal recessive limb-girdle muscular dystrophy type 2Q (LGMDR17). Also called: MUSCULAR DYSTROPHY, LIMB-GIRDLE, AUTOSOMAL RECESSIVE 17. Identifiers: Orphanet 254361, MedGen C3150989, MONDO:0013390, OMIM 613723.
Epidermolysis bullosa simplex, Ogna type (EBS5A). Also called: EPIDERMOLYSIS BULLOSA SIMPLEX 5A, OGNA TYPE; Pidermolysis bullosa simplex 5A, Ogna type. Identifiers: Orphanet 79401, MedGen C0432317, MONDO:0007555, OMIM 131950.
Epidermolysis bullosa simplex 5C, with pyloric atresia (EBS5C). Also called: PLEC-Related Epidermolysis Bullosa with Pyloric Atresia; Epidermolysis bullosa simplex with pyloric atresia; PLEC1-Related Epidermolysis Bullosa with Pyloric Atresia. Identifiers: Orphanet 158684, MedGen C2677349, MONDO:0012807, OMIM 612138.

Allele frequency attached by ClinVar (database versions not stated): 1000 Genomes Project 0.02436; 1000 Genomes Project 30x 0.02592; gnomAD 0.03704 and 0.03717; TOPMed 0.03745; ESP Exome Variant Server 0.03747; ExAC 0.04969; gnomAD exomes 0.05118 and 0.05254.
gnomAD v4.1: 80,157 of 1,611,628 alleles (5%); highest among the groups gnomAD compares: Admixed American, 9.3%; 2,367 homozygotes.

Submissions (12):

Labcorp Genetics (formerly Invitae), Labcorp
Classification: Benign for Autosomal recessive limb-girdle muscular dystrophy type 2Q; Epidermolysis bullosa simplex, Ogna type; Epidermolysis bullosa simplex with nail dystrophy; Epidermolysis bullosa simplex 5C, with pyloric atresia; Epidermolysis bullosa simplex 5B, with muscular dystrophy. Last evaluated: 2026-02-03. Review status: criteria provided, single submitter. Criteria: Invitae Variant Classification Sherloc (09022015). Collection method: clinical testing. Allele origin: germline.

Blueprint Genetics
Classification: Benign. Last evaluated: 2024-11-27. Review status: criteria provided, single submitter. Criteria: ACMG Guidelines, 2015. Collection method: clinical testing. Allele origin: germline.

Mayo Clinic Laboratories, Mayo Clinic
Classification: Benign. Last evaluated: 2017-12-06. Review status: criteria provided, single submitter. Criteria: ACMG Guidelines, 2015. Collection method: clinical testing. Allele origin: germline. Observed: 122 variant alleles.

GeneDx
Classification: Benign. Last evaluated: 2016-01-05. Review status: criteria provided, single submitter. Criteria: GeneDx Variant Classification (06012015). Collection method: clinical testing. Allele origin: germline. Affected: yes.
Comment: This variant is considered likely benign or benign based on one or more of the following criteria: it is a conservative change, it occurs at a poorly conserved position in the protein, it is predicted to be benign by multiple in silico algorithms, and/or has population frequency not consistent with disease.

Laboratory for Molecular Medicine, Mass General Brigham Personalized Medicine
Classification: Benign. Last evaluated: 2015-01-13. Review status: criteria provided, single submitter. Criteria: LMM Criteria. Collection method: clinical testing. Allele origin: germline. Observed: 2 variant alleles.
Comment: c.1129+10C>T in intron 7 of PLEC: This variant is not expected to have clinical significance because it is not located within the conserved splice consensus seq uence. It has been identified in 5.1% (438/8524) of European American chromosome s from a broad population by the NHLBI Exome Sequencing Project (dbSNP rs12545876).

Eurofins Ntd Llc (ga)
Classification: Benign. Last evaluated: 2013-10-29. Review status: criteria provided, single submitter. Criteria: EGL Classification Definitions 2015. Collection method: clinical testing. Allele origin: germline. Observed: 2 variant alleles, 2 heterozygotes.

Breakthrough Genomics
Classification: Benign. Review status: criteria provided, single submitter. Criteria: ACMG Guidelines, 2015. Collection method: not provided. Allele origin: germline. Inheritance: Autosomal recessive inheritance. Affected: yes.

PreventionGenetics, part of Exact Sciences
Classification: Benign. Review status: criteria provided, single submitter. Criteria: ACMG Guidelines, 2015. Collection method: clinical testing. Allele origin: germline.

Clinical Genetics, Academic Medical Center
Classification: Likely benign. Review status: no assertion criteria provided. Collection method: clinical testing. Allele origin: germline. Affected: yes. Study: VKGL Data-share Consensus. Not counted in ClinVar's aggregate classification.

Genetic Services Laboratory, University of Chicago
Classification: Likely benign for AllHighlyPenetrant. Review status: no assertion criteria provided. Collection method: clinical testing. Allele origin: germline. Inheritance: Autosomal recessive inheritance. Not counted in ClinVar's aggregate classification.
Comment: Likely benign based on allele frequency in 1000 Genomes Project or ESP global frequency and its presence in a patient with a rare or unrelated disease phenotype. NOT Sanger confirmed.

Genome Diagnostics Laboratory, University Medical Center Utrecht
Classification: Benign. Review status: no assertion criteria provided. Collection method: clinical testing. Allele origin: germline. Affected: yes. Study: VKGL Data-share Consensus. Not counted in ClinVar's aggregate classification.

Laboratory of Diagnostic Genome Analysis, Leiden University Medical Center (LUMC)
Classification: Likely benign. Review status: no assertion criteria provided. Collection method: clinical testing. Allele origin: germline. Affected: yes. Study: VKGL Data-share Consensus. Not counted in ClinVar's aggregate classification.

NM_201384.3(PLEC):c.718+10C>T

Gene: PLEC (plectin; minus strand). Cytogenetic location: 8q24.3.
Variant type: single nucleotide variant.
Coding change: c.718+10C>T on transcript NM_201384.3 (MANE Select); 10 bases into the intron after coding-DNA position 718, C replaced by T.
Molecular consequence: intron variant.
Genome position (GRCh38, 1-based): chr8:143,935,188, G>A on the plus strand (C>T on the coding strand, the complement: PLEC is on the minus strand). VCF-style: chr8-143935188-G-A. GRCh37 (hg19) VCF-style: chr8-145009356-G-A.
Other names: p.?; c.799+10C>T (NM_000445.5); c.676+10C>T (NM_201378.4); c.652+10C>T (NM_201379.3); c.1129+10C>T (NM_201380.4); c.622+10C>T (NM_201381.3); c.718+10C>T (NM_201382.4); c.730+10C>T (NM_201383.3).
Identifiers: ClinVar variation 93082 (VCV000093082.28), dbSNP rs12545876, ClinGen allele CA146572.